The following is an entry in ClinVar:

ClinVar aggregate classification (germline): Conflicting classifications of pathogenicity. Review status: criteria provided, conflicting classifications (1 of 4 stars). 7 submissions from 7 submitters: Uncertain significance (1); Likely benign (4). 2 of the submissions do not count toward it. Last evaluated 2025-10-04.

Conditions:
Hypertrophic cardiomyopathy. Also called: HYPERTROPHIC MYOCARDIOPATHY. Identifiers: Orphanet 217569, MedGen C0007194, MeSH D002312, MONDO:0005045, HP:0001639.
Cardiomyopathy (CMYO). Also called: Cardiomyopathies. Identifiers: Orphanet 167848, MedGen C0878544, MONDO:0004994, HP:0001638. Inheritance: Various modes of inheritance.
Cardiovascular phenotype. Identifiers: MedGen CN230736.

Allele frequency attached by ClinVar (database versions not stated): TOPMed below 0.00001; gnomAD 0.00001 and 0.00003; gnomAD exomes 0.00002 and 0.00003; ExAC 0.00006.
gnomAD v4.1: 43 of 1,613,980 alleles (0.0027%); highest among the groups gnomAD compares: South Asian, 0.031%; 2 homozygotes.

Submissions (7):

Labcorp Genetics (formerly Invitae), Labcorp
Classification: Likely benign for Hypertrophic cardiomyopathy. Last evaluated: 2025-10-04. Review status: criteria provided, single submitter. Criteria: Invitae Variant Classification Sherloc (09022015). Collection method: clinical testing. Allele origin: germline.

Ambry Genetics
Classification: Likely benign for Cardiovascular phenotype. Last evaluated: 2024-04-12. Review status: criteria provided, single submitter. Criteria: Ambry Variant Classification Scheme 2023. Collection method: clinical testing. Allele origin: germline.

All of Us Research Program, National Institutes of Health
Classification: Likely benign for Hypertrophic cardiomyopathy. Last evaluated: 2023-11-20. Review status: criteria provided, single submitter. Criteria: ACMG Guidelines, 2015. Collection method: clinical testing. Allele origin: germline. Inheritance: Autosomal dominant inheritance. Observed: 4 variant alleles, 4 heterozygotes.
Comment: This study involves interpretation of variants in research participants for the purpose of population health screening. Participant phenotype was not available at the time of variant classification. Additional details can be found in publication PMID: 35346344, PMCID: PMC8962531

Color Diagnostics, LLC DBA Color Health
Classification: Likely benign for Cardiomyopathy. Last evaluated: 2019-10-30. Review status: criteria provided, single submitter. Criteria: ACMG Guidelines, 2015. Collection method: clinical testing. Allele origin: germline.

CHEO Genetics Diagnostic Laboratory, Children's Hospital of Eastern Ontario
Classification: Uncertain significance for Cardiomyopathy. Last evaluated: 2016-01-04. Review status: criteria provided, single submitter. Criteria: ACMG Guidelines, 2015. Collection method: clinical testing. Allele origin: germline. Study: Canadian Open Genetics Repository.

Clinical Genetics DNA and cytogenetics Diagnostics Lab, Erasmus MC, Erasmus Medical Center
Classification: Likely benign. Review status: no assertion criteria provided. Collection method: clinical testing. Allele origin: germline. Affected: yes. Study: VKGL Data-share Consensus. Not counted in ClinVar's aggregate classification.

Joint Genome Diagnostic Labs from Nijmegen and Maastricht, Radboudumc and MUMC+
Classification: Likely benign. Review status: no assertion criteria provided. Collection method: clinical testing. Allele origin: germline. Affected: yes. Study: VKGL Data-share Consensus. Not counted in ClinVar's aggregate classification.

NM_001018005.2(TPM1):c.774C>T (p.Asp258=)

Gene: TPM1 (tropomyosin 1; plus strand). Cytogenetic location: 15q22.2.
Variant type: single nucleotide variant.
Coding change: c.774C>T on transcript NM_001018005.2 (MANE Select); coding-DNA position 774, C replaced by T.
Protein change: p.Asp258=; no amino-acid change (aspartic acid 258 retained).
Molecular consequence: synonymous variant. On other transcripts: intron variant (12).
Genome position (GRCh38, 1-based): chr15:63,064,065, C>T. VCF-style: chr15-63064065-C-T. GRCh37 (hg19) VCF-style: chr15-63356264-C-T.
Other names: c.774C>T, p.Asp258= (NM_000366.6, NM_001301244.2, NM_001365779.1); c.666C>T, p.Asp222= (NM_001330346.2, NM_001365781.2, NM_001365782.1); c.898+1420C>T (NM_001365778.1); c.772+1420C>T (NM_001018020.2, NM_001018007.2, NM_001018006.2 and 3 more transcripts); c.664+1420C>T (NM_001330351.2, NM_001330344.2, NM_001018008.2 and 2 more transcripts).
Identifiers: ClinVar variation 626830 (VCV000626830.18), dbSNP rs762282433, ClinGen allele CA031962.